The following is an entry in ClinVar:

NM_004260.4(RECQL4):c.1184C>T (p.Ala395Val)

Gene: RECQL4 (RecQ like helicase 4; minus strand). Cytogenetic location: 8q24.3.
Variant type: single nucleotide variant.
Coding change: c.1184C>T on transcript NM_004260.4 (MANE Select); coding-DNA position 1184, C replaced by T.
Protein change: p.Ala395Val; replaces alanine 395 with valine.
Molecular consequence: missense variant. On other transcripts: synonymous variant (5), non-coding transcript variant (3), intron variant (1).
Genome position (GRCh38, 1-based): chr8:144,515,838, G>A on the plus strand (C>T on the coding strand, the complement: RECQL4 is on the minus strand). VCF-style: chr8-144515838-G-A. GRCh37 (hg19) VCF-style: chr8-145741222-G-A.
Other names: c.1088C>T, p.Ala363Val (NM_001413017.1, NM_001413020.1); c.1184C>T, p.Ala395Val (NM_001413018.1, NM_001413019.1, NM_001413033.1 and 2 more transcripts); c.113C>T, p.Ala38Val (NM_001413021.1, NM_001413022.1, NM_001413023.1 and 8 more transcripts); c.1055C>T, p.Ala352Val (NM_001413025.1); c.51C>T, p.Cys17= (NM_001413027.1, NM_001413030.1, NM_001413031.1 and 2 more transcripts); c.833C>T, p.Ala278Val (NM_001413029.1); c.-210+150C>T (NM_001413043.1); short protein forms A352V, A38V, A395V, A363V, A278V.
Identifiers: ClinVar variation 4825870 (VCV004825870.1).

ClinVar aggregate classification (germline): Uncertain significance (1 of 4 stars; one submission).

Conditions:
Inborn genetic diseases. Identifiers: MedGen C0950123, MeSH D030342.

Submission:

Ambry Genetics
Classification: Uncertain significance for Inborn genetic diseases. Last evaluated: 2026-03-07. Review status: criteria provided, single submitter. Criteria: Ambry Variant Classification Scheme 2023. Collection method: clinical testing. Allele origin: germline.
Comment: The p.A395V variant (also known as c.1184C>T), located in coding exon 6 of the RECQL4 gene, results from a C to T substitution at nucleotide position 1184. The alanine at codon 395 is replaced by valine, an amino acid with similar properties. This amino acid position is conserved. In addition, this alteration is predicted to be tolerated by in silico analysis. Based on the available evidence, the clinical significance of this variant remains unclear.